The following is an entry in ClinVar:

ClinVar aggregate classification (germline): Uncertain significance. Review status: criteria provided, multiple submitters, no conflicts (2 of 4 stars). 6 submissions from 6 submitters: Uncertain significance (6). Last evaluated 2025-09-01.

Conditions:
Familial cancer of breast. Also called: Hereditary breast cancer; BREAST CANCER, FAMILIAL; hereditary breast carcinoma. Identifiers: Orphanet 227535, MedGen C0346153, MONDO:0016419, OMIM 114480. Disease mechanism: loss of function.
Hereditary cancer-predisposing syndrome. Also called: Tumor predisposition; Neoplastic Syndromes, Hereditary; Hereditary neoplastic syndrome; Hereditary Cancer Syndrome. Identifiers: Orphanet 140162, MedGen C0027672, MeSH D009386, MONDO:0015356.
Fanconi anemia complementation group J. Also called: BRIP1-Related Fanconi Anemia. Identifiers: Orphanet 84, MedGen C1836860, MONDO:0012187, OMIM 609054.

gnomAD v4.1: 2 of 1,614,004 alleles (0.00012%); highest among the groups gnomAD compares: Middle Eastern, 0.033%; no homozygotes.

Submissions (6):

Ambry Genetics
Classification: Uncertain significance for Hereditary cancer-predisposing syndrome. Last evaluated: 2025-09-01. Review status: criteria provided, single submitter. Criteria: Ambry Variant Classification Scheme 2023. Collection method: clinical testing. Allele origin: germline.
Comment: The p.H888D variant (also known as c.2662C>G), located in coding exon 18 of the BRIP1 gene, results from a C to G substitution at nucleotide position 2662. The histidine at codon 888 is replaced by aspartic acid, an amino acid with similar properties. This amino acid position is well conserved in available vertebrate species. In addition, the in silico prediction for this alteration is inconclusive. Since supporting evidence is limited at this time, the clinical significance of this alteration remains unclear.

Color Diagnostics, LLC DBA Color Health
Classification: Uncertain significance for Hereditary cancer-predisposing syndrome. Last evaluated: 2023-12-05. Review status: criteria provided, single submitter. Criteria: ACMG Guidelines, 2015. Collection method: clinical testing. Allele origin: germline.
Comment: This missense variant replaces histidine with aspartic acid at codon 888 of the BRIP1 protein. Computational prediction suggests that this variant may not impact protein structure and function (internally defined REVEL score threshold <= 0.5, PMID: 27666373). To our knowledge, functional studies have not been reported for this variant. This variant has not been reported in individuals affected with BRIP1-related disorders in the literature. This variant has not been identified in the general population by the Genome Aggregation Database (gnomAD). The available evidence is insufficient to determine the role of this variant in disease conclusively. Therefore, this variant is classified as a Variant of Uncertain Significance.

Baylor Genetics
Classification: Uncertain significance for Familial cancer of breast. Last evaluated: 2023-07-29. Review status: criteria provided, single submitter. Criteria: ACMG Guidelines, 2015. Collection method: clinical testing. Allele origin: unknown.

KCCC/NGS Laboratory, Kuwait Cancer Control Center
Classification: Uncertain significance for Familial cancer of breast. Last evaluated: 2023-05-29. Review status: criteria provided, single submitter. Criteria: ACMG Guidelines, 2015. Collection method: clinical testing. Allele origin: unknown. Inheritance: Autosomal dominant inheritance. Affected: yes. Observed: 1 heterozygote.
Comment: a variant of uncertain significance was detected in the BRIP1 gene c.2662C>G. This sequence change replaces histidine, which is basic and polar, with aspartic acid, which is acidic and polar, at codon 888 of the BRIP1 protein (p.His888Asp). This variant is not present in population databases (gnomAD no frequency). This amino acid position is mild conserved (PhyloP=3.68) . This variant has not been reported in the literature in individuals affected with BRIP1-related conditions. ClinVar contains an entry for this variant (Variation ID: 926079). this alteration is predicted to be tolerated by in silico analysis. In summary, the available evidence is currently insufficient to determine the role of this variant in disease. Therefore, it has been classified as a Variant of Uncertain Significance.

Labcorp Genetics (formerly Invitae), Labcorp
Classification: Uncertain significance for Familial cancer of breast; Fanconi anemia complementation group J. Last evaluated: 2022-05-18. Review status: criteria provided, single submitter. Criteria: Invitae Variant Classification Sherloc (09022015). Collection method: clinical testing. Allele origin: germline.
Comment: Algorithms developed to predict the effect of missense changes on protein structure and function (SIFT, PolyPhen-2, Align-GVGD) all suggest that this variant is likely to be tolerated. In summary, the available evidence is currently insufficient to determine the role of this variant in disease. Therefore, it has been classified as a Variant of Uncertain Significance. ClinVar contains an entry for this variant (Variation ID: 926079). This variant has not been reported in the literature in individuals affected with BRIP1-related conditions. This variant is not present in population databases (gnomAD no frequency). This sequence change replaces histidine, which is basic and polar, with aspartic acid, which is acidic and polar, at codon 888 of the BRIP1 protein (p.His888Asp).

Blueprint Genetics
Classification: Uncertain significance. Last evaluated: 2019-12-23. Review status: criteria provided, single submitter. Criteria: ACMG Guidelines, 2015. Collection method: clinical testing. Allele origin: germline.

NM_032043.3(BRIP1):c.2662C>G (p.His888Asp)

Gene: BRIP1 (BRCA1 interacting DNA helicase 1; minus strand). Cytogenetic location: 17q23.2.
Variant type: single nucleotide variant.
Coding change: c.2662C>G on transcript NM_032043.3 (MANE Select); coding-DNA position 2662, C replaced by G.
Protein change: p.His888Asp; replaces histidine 888 with aspartic acid.
Molecular consequence: missense variant.
Genome position (GRCh38, 1-based): chr17:61,686,079, G>C on the plus strand (C>G on the coding strand, the complement: BRIP1 is on the minus strand). VCF-style: chr17-61686079-G-C. GRCh37 (hg19) VCF-style: chr17-59763440-G-C.
Other names: short protein forms H888D.
Identifiers: ClinVar variation 926079 (VCV000926079.21), dbSNP rs757668121, ClinGen allele CA400481833.